The following is an entry in ClinVar:

NM_019109.5(ALG1):c.20T>G (p.Val7Gly)

Gene: ALG1 (ALG1 chitobiosyldiphosphodolichol beta-mannosyltransferase; plus strand). Cytogenetic location: 16p13.3.
Variant type: single nucleotide variant.
Coding change: c.20T>G on transcript NM_019109.5 (MANE Select); coding-DNA position 20, T replaced by G.
Protein change: p.Val7Gly; replaces valine 7 with glycine.
Molecular consequence: missense variant.
Genome position (GRCh38, 1-based): chr16:5,071,869, T>G. VCF-style: chr16-5071869-T-G. GRCh37 (hg19) VCF-style: chr16-5121870-T-G.
Other names: c.20T>G (NM_019109.4); short protein forms V7G.
Identifiers: ClinVar variation 1047043 (VCV001047043.6), dbSNP rs780711908, ClinGen allele CA7889634.

ClinVar aggregate classification (germline): Uncertain significance. Review status: criteria provided, multiple submitters, no conflicts (2 of 4 stars). 4 submissions from 4 submitters: Uncertain significance (4). Last evaluated 2025-04-02.

Conditions:
Inborn genetic diseases. Identifiers: MedGen C0950123, MeSH D030342.
ALG1-congenital disorder of glycosylation. Also called: ALG1-CDG; CDG Ik; CONGENITAL DISORDER OF GLYCOSYLATION, TYPE Ik. Identifiers: Orphanet 79327, MedGen C2931005, MONDO:0012052, OMIM 608540.

Allele frequency attached by ClinVar (database versions not stated): gnomAD 0.00005 and 0.00006; ExAC 0.00007; gnomAD exomes 0.00009; TOPMed 0.00009.
gnomAD v4.1: 79 of 1,605,010 alleles (0.0049%); highest among the groups gnomAD compares: Admixed American, 0.032%; no homozygotes.

Submissions (4):

GeneDx
Classification: Uncertain significance. Last evaluated: 2025-04-02. Review status: criteria provided, single submitter. Criteria: GeneDx Variant Classification Process June 2021. Collection method: clinical testing. Allele origin: germline. Affected: yes.
Comment: In silico analysis indicates that this missense variant does not alter protein structure/function; Has not been previously published as pathogenic or benign to our knowledge

Ambry Genetics
Classification: Uncertain significance for Inborn genetic diseases. Last evaluated: 2024-06-17. Review status: criteria provided, single submitter. Criteria: Ambry Variant Classification Scheme 2023. Collection method: clinical testing. Allele origin: germline.

Labcorp Genetics (formerly Invitae), Labcorp
Classification: Uncertain significance for ALG1-congenital disorder of glycosylation. Last evaluated: 2022-07-16. Review status: criteria provided, single submitter. Criteria: Invitae Variant Classification Sherloc (09022015). Collection method: clinical testing. Allele origin: germline.
Comment: This sequence change replaces valine, which is neutral and non-polar, with glycine, which is neutral and non-polar, at codon 7 of the ALG1 protein (p.Val7Gly). This variant is present in population databases (rs780711908, gnomAD 0.04%). This variant has not been reported in the literature in individuals affected with ALG1-related conditions. ClinVar contains an entry for this variant (Variation ID: 1047043). Advanced modeling of protein sequence and biophysical properties (such as structural, functional, and spatial information, amino acid conservation, physicochemical variation, residue mobility, and thermodynamic stability) performed at Invitae indicates that this missense variant is not expected to disrupt ALG1 protein function. In summary, the available evidence is currently insufficient to determine the role of this variant in disease. Therefore, it has been classified as a Variant of Uncertain Significance.

Breakthrough Genomics
Classification: Uncertain significance. Review status: criteria provided, single submitter. Criteria: ACMG Guidelines, 2015. Collection method: not provided. Allele origin: germline. Inheritance: Autosomal recessive inheritance. Affected: yes.